The following is an entry in ClinVar:

NM_004525.3(LRP2):c.10115T>C (p.Ile3372Thr)

Gene: LRP2 (LDL receptor related protein 2; minus strand). Cytogenetic location: 2q31.1.
Variant type: single nucleotide variant.
Coding change: c.10115T>C on transcript NM_004525.3 (MANE Select); coding-DNA position 10115, T replaced by C.
Protein change: p.Ile3372Thr; replaces isoleucine 3372 with threonine.
Molecular consequence: missense variant.
Genome position (GRCh38, 1-based): chr2:169,181,502, A>G on the plus strand (T>C on the coding strand, the complement: LRP2 is on the minus strand). VCF-style: chr2-169181502-A-G. GRCh37 (hg19) VCF-style: chr2-170038012-A-G.
Other names: short protein forms I3372T.
Identifiers: ClinVar variation 1516279 (VCV001516279.8), dbSNP rs2105294470, ClinGen allele CA349150902.

ClinVar aggregate classification (germline): Uncertain significance (1 of 4 stars; one submission).

Allele frequency attached by ClinVar (database versions not stated): gnomAD exomes below 0.00001.
gnomAD v4.1: 1 of 1,614,178 alleles (0.000062%); highest among the groups gnomAD compares: Non-Finnish European, 0.000085%; no homozygotes.

Submission:

Labcorp Genetics (formerly Invitae), Labcorp
Classification: Uncertain significance. Last evaluated: 2023-11-27. Review status: criteria provided, single submitter. Criteria: Invitae Variant Classification Sherloc (09022015). Collection method: clinical testing. Allele origin: germline.
Comment: This sequence change replaces isoleucine, which is neutral and non-polar, with threonine, which is neutral and polar, at codon 3372 of the LRP2 protein (p.Ile3372Thr). This variant is not present in population databases (gnomAD no frequency). This variant has not been reported in the literature in individuals affected with LRP2-related conditions. ClinVar contains an entry for this variant (Variation ID: 1516279). Advanced modeling of protein sequence and biophysical properties (such as structural, functional, and spatial information, amino acid conservation, physicochemical variation, residue mobility, and thermodynamic stability) performed at Invitae indicates that this missense variant is expected to disrupt LRP2 protein function with a positive predictive value of 95%. In summary, the available evidence is currently insufficient to determine the role of this variant in disease. Therefore, it has been classified as a Variant of Uncertain Significance.